The following is an entry in ClinVar:

NM_017999.5(RNF31):c.1640G>T (p.Gly547Val)

Gene: RNF31 (ring finger protein 31; plus strand). Cytogenetic location: 14q12.
Variant type: single nucleotide variant.
Coding change: c.1640G>T on transcript NM_017999.5 (MANE Select); coding-DNA position 1640, G replaced by T.
Protein change: p.Gly547Val; replaces glycine 547 with valine.
Molecular consequence: missense variant.
Genome position (GRCh38, 1-based): chr14:24,151,282, G>T. VCF-style: chr14-24151282-G-T. GRCh37 (hg19) VCF-style: chr14-24620491-G-T.
Other names: c.1187G>T, p.Gly396Val (NM_001310332.2); short protein forms G396V, G547V.
Identifiers: ClinVar variation 3007948 (VCV003007948.3), dbSNP rs749789170, ClinGen allele CA389297384.

ClinVar aggregate classification (germline): Uncertain significance (1 of 4 stars; one submission).

gnomAD v4.1: 16 of 1,614,222 alleles (0.00099%); highest among the groups gnomAD compares: Non-Finnish European, 0.0012%; no homozygotes.

Submission:

Labcorp Genetics (formerly Invitae), Labcorp
Classification: Uncertain significance. Last evaluated: 2023-12-15. Review status: criteria provided, single submitter. Criteria: Invitae Variant Classification Sherloc (09022015). Collection method: clinical testing. Allele origin: germline.
Comment: This sequence change replaces glycine, which is neutral and non-polar, with valine, which is neutral and non-polar, at codon 547 of the RNF31 protein (p.Gly547Val). This variant is not present in population databases (gnomAD no frequency). This variant has not been reported in the literature in individuals affected with RNF31-related conditions. An algorithm developed to predict the effect of missense changes on protein structure and function (PolyPhen-2) suggests that this variant is likely to be disruptive. In summary, the available evidence is currently insufficient to determine the role of this variant in disease. Therefore, it has been classified as a Variant of Uncertain Significance.